The following is an entry in ClinVar:

NM_007294.4(BRCA1):c.5463_5464insT (p.His1822fs)

Gene: BRCA1 (BRCA1 DNA repair associated; minus strand). Cytogenetic location: 17q21.31.
Variant type: Insertion.
Coding change: c.5463_5464insT on transcript NM_007294.4 (MANE Select); coding-DNA positions 5463 to 5464, T inserted.
Protein change: p.His1822fs; shifts the reading frame from histidine 1822.
Molecular consequence: frameshift variant. On other transcripts: non-coding transcript variant (1).
Genome position: GRCh38 VCF-style: chr17-43047646-G-GA. GRCh37 (hg19) VCF-style: chr17-41199663-G-GA.
Other names: c.5250_5251insT, p.His1751Serfs (NM_001407571.1, NM_001407894.1, NM_001407895.1 and 12 more transcripts); c.5529_5530insT, p.His1844Serfs (NM_001407581.1, NM_001407582.1); c.5526_5527insT, p.His1843Serfs (NM_001407583.1, NM_001407585.1, NM_001407587.1); c.5523_5524insT, p.His1842Serfs (NM_001407590.1, NM_001407591.1); c.5463_5464insT, p.His1822Serfs (NM_001407593.1, NM_001407594.1, NM_001407596.1 and 5 more transcripts); c.5460_5461insT, p.His1821Serfs (NM_001407610.1, NM_001407611.1, NM_001407612.1 and 14 more transcripts); c.5457_5458insT, p.His1820Serfs (NM_001407627.1, NM_001407628.1, NM_001407629.1 and 13 more transcripts); c.5454_5455insT, p.His1819Serfs (NM_001407644.1, NM_001407645.1); and 86 more; short protein forms H1775fs, P693fs, H718fs, H1843fs, H1822fs.
Identifiers: ClinVar variation 373823 (VCV000373823.19), dbSNP rs1057518636, ClinGen allele CA16043341.
Genomic context (GRCh38, chr17:43,047,646, plus strand): 5'-TAAACCAAACCCATGCAAAAGGACCCCATATAGCACAGGTACATGCAGGCACCTTACCAT[G>GA]GAAGCCATTGTCCTCTGTCCAGGCATCTGGCTGCACAACCACAATTGGGTGGACACCCTG-3'

ClinVar aggregate classification (germline): Pathogenic. Review status: reviewed by expert panel (3 of 4 stars). 5 submissions from 5 submitters: Pathogenic (1). 4 of the submissions do not count toward it. Last evaluated 2017-12-15.

Conditions:
Hereditary cancer-predisposing syndrome. Also called: Neoplastic Syndromes, Hereditary; Hereditary neoplastic syndrome; Hereditary Cancer Syndrome; Tumor predisposition. Identifiers: Orphanet 140162, MedGen C0027672, MeSH D009386, MONDO:0015356.
Breast-ovarian cancer, familial, susceptibility to, 1 (BROVCA1). Also called: BRCA1 Hereditary Breast and Ovarian Cancer; OVARIAN CANCER, SUSCEPTIBILITY TO. Identifiers: Orphanet 145, MedGen C2676676, MONDO:0011450, OMIM 604370. Disease mechanism: loss of function.
Hereditary breast ovarian cancer syndrome. Also called: Hereditary breast and ovarian cancer syndrome; Breast and ovarian cancer; Hereditary breast and ovarian cancer syndrome (HBOC); Hereditary breast and/or ovarian cancer syndrome; BRCA1- and BRCA2-Associated Hereditary Breast and Ovarian Cancer; Hereditary breast and ovarian cancer. Identifiers: Orphanet 145, MedGen C0677776, MeSH D061325, MONDO:0003582. Disease mechanism: loss of function.
Breast neoplasm. Also called: Neoplasm of breast; Breast tumor; Neoplasm of the breast; Breast Neoplasms. Identifiers: MedGen C1458155, MeSH D001943, MONDO:0021100, HP:0100013. Disease mechanism: gain of function.

Submissions (5):

Evidence-based Network for the Interpretation of Germline Mutant Alleles (ENIGMA)
Classification: Pathogenic for Breast-ovarian cancer, familial, susceptibility to, 1. Last evaluated: 2017-12-15. Review status: reviewed by expert panel. Criteria: ENIGMA BRCA1/2 Classification Criteria (2017-06-29). Collection method: curation. Allele origin: germline. Study: ENIGMA.
Comment: Variant allele predicted to encode a truncated non-functional protein.

Dasa
Classification: Likely pathogenic. Last evaluated: 2026-02-20. Review status: criteria provided, single submitter. Criteria: DASA Assertion Criteria. Collection method: clinical testing. Allele origin: germline. Not counted in ClinVar's aggregate classification.
Comment: NM_007294.4(BRCA1):c.5463_5464insT (p.His1822Serfs*8) is a frameshift variant in BRCA1 predicted to alter the reading frame and introduce a premature termination codon and is predicted to result in an absent or altered protein product. Loss of function is an established disease mechanism for BRCA1 (PMID: 32375709; PMID: 21989022; PMID: 11802209). The affected residue or protein region has prior evidence supporting clinical relevance. Also, this variant is rare in population databases. Based on the currently available evidence, this variant is classified as likely pathogenic.

Color Diagnostics, LLC DBA Color Health
Classification: Pathogenic for Hereditary cancer-predisposing syndrome. Last evaluated: 2023-01-10. Review status: criteria provided, single submitter. Criteria: ACMG Guidelines, 2015. Collection method: clinical testing. Allele origin: germline. Not counted in ClinVar's aggregate classification.
Comment: This variant inserts 1 nucleotide in exon 22 of the BRCA1 gene, creating a frameshift and premature translation stop signal. This variant is expected to result in an absent or non-functional protein product. To our knowledge, functional studies have not been reported for this variant. This variant has been reported in at least two unrelated individuals affected with breast or ovarian cancer and in additional suspected hereditary breast and ovarian cancer families (PMID: 24884479, 27741520, 28947987, 29907814). This variant has not been identified in the general population by the Genome Aggregation Database (gnomAD). Loss of BRCA1 function is a known mechanism of disease. Based on the available evidence, this variant is classified as Pathogenic.

Labcorp Genetics (formerly Invitae), Labcorp
Classification: Pathogenic for Hereditary breast ovarian cancer syndrome. Last evaluated: 2020-02-17. Review status: criteria provided, single submitter. Criteria: Invitae Variant Classification Sherloc (09022015). Collection method: clinical testing. Allele origin: germline. Not counted in ClinVar's aggregate classification.
Comment: This sequence change results in a premature translational stop signal in the BRCA1 gene (p.His1822Serfs*8). While this is not anticipated to result in nonsense mediated decay, it is expected to disrupt the last 42 amino acids of the BRCA1 protein. This variant is not present in population databases (ExAC no frequency). This variant has been observed in individual(s) with breast and/or ovarian cancer (PMID: 24884479, 28947987). This variant is also known as 5582insT in the literature. ClinVar contains an entry for this variant (Variation ID: 373823). This variant disrupts the C-terminal end of the BRCA1 protein partially including the BRCT domain (residues 1646-1859), which is important for DNA repair activity (PMID: 11573086, 14576433, 15133503, 25652403). While functional studies have not been performed to directly test the effect on BRCA1 protein function, this suggests that disruption of the C-terminal portion of the protein is functionally important. For these reasons, this variant has been classified as Pathogenic. A different truncation (p.Tyr1853*) that lies downstream of this variant has been determined to be pathogenic (PMID: 21922593, 10811118, 11739404, 12400015, 7894493, Invitae). This suggests that variants that disrupt this region of the protein are likely to be causative of disease.

Clinical and Functional Genomics Group, A.C.Camargo Cancer Center
Classification: Pathogenic for Breast Cancer. Review status: criteria provided, single submitter. Criteria: Silva et al. (BMC Med Genet. 2014). Collection method: research. Allele origin: germline. Affected: yes. Not counted in ClinVar's aggregate classification.

Literature cited by the submitters: PubMed 32375709 (cited by Dasa); PubMed 21989022 (cited by Dasa); PubMed 11802209 (cited by Dasa); PubMed 24884479 (cited by Color Diagnostics, LLC DBA Color Health and Labcorp Genetics (formerly Invitae), Labcorp); PubMed 27741520 (cited by Color Diagnostics, LLC DBA Color Health); PubMed 28947987 (cited by Color Diagnostics, LLC DBA Color Health and Labcorp Genetics (formerly Invitae), Labcorp); PubMed 29907814 (cited by Color Diagnostics, LLC DBA Color Health); PubMed 11573086 (cited by Labcorp Genetics (formerly Invitae), Labcorp); PubMed 14576433 (cited by Labcorp Genetics (formerly Invitae), Labcorp); PubMed 15133503 (cited by Labcorp Genetics (formerly Invitae), Labcorp); PubMed 25652403 (cited by Labcorp Genetics (formerly Invitae), Labcorp); PubMed 21922593 (cited by Labcorp Genetics (formerly Invitae), Labcorp); PubMed 10811118 (cited by Labcorp Genetics (formerly Invitae), Labcorp); PubMed 11739404 (cited by Labcorp Genetics (formerly Invitae), Labcorp); PubMed 12400015 (cited by Labcorp Genetics (formerly Invitae), Labcorp); PubMed 7894493 (cited by Labcorp Genetics (formerly Invitae), Labcorp); PubMed 23469205 (cited by Clinical and Functional Genomics Group, A.C.Camargo Cancer Center).